The following is an entry in ClinVar:

ClinVar aggregate classification (germline): Likely benign. Review status: criteria provided, multiple submitters, no conflicts (2 of 4 stars). 2 submissions from 2 submitters: Likely benign (2). Last evaluated 2025-11-26.

Conditions:
ATP8B1-related disorder. Also called: ATP8B1-related disorders; ATP8B1-related condition.

Allele frequency attached by ClinVar (database versions not stated): TOPMed 0.00001; ExAC 0.00002; gnomAD 0.00003.
gnomAD v4.1: 29 of 1,613,870 alleles (0.0018%); highest among the groups gnomAD compares: Admixed American, 0.0083%; no homozygotes.

Submissions (2):

PreventionGenetics, part of Exact Sciences
Classification: Likely benign for ATP8B1-related condition. Last evaluated: 2025-11-26. Review status: criteria provided, single submitter. Criteria: ACMG Guidelines, 2015. Collection method: clinical testing. Allele origin: germline.
Comment: This variant is classified as likely benign based on ACMG/AMP sequence variant interpretation guidelines (Richards et al. 2015 PMID: 25741868, with internal and published modifications).

Labcorp Genetics (formerly Invitae), Labcorp
Classification: Likely benign. Last evaluated: 2023-12-20. Review status: criteria provided, single submitter. Criteria: Invitae Variant Classification Sherloc (09022015). Collection method: clinical testing. Allele origin: germline.

NM_001374385.1(ATP8B1):c.2379C>T (p.Pro793=)

Genes: ATP8B1-AS1 (ATP8B1 antisense RNA 1; plus strand), ATP8B1 (ATPase phospholipid transporting 8B1; minus strand). Cytogenetic location: 18q21.31.
Variant type: single nucleotide variant.
Coding change: c.2379C>T on transcript NM_001374385.1 (MANE Select); coding-DNA position 2379, C replaced by T.
Protein change: p.Pro793=; no amino-acid change (proline 793 retained).
Molecular consequence: synonymous variant.
Genome position (GRCh38, 1-based): chr18:57,662,522, G>A on the plus strand (C>T on the coding strand, the complement: ATP8B1 is on the minus strand). VCF-style: chr18-57662522-G-A. GRCh37 (hg19) VCF-style: chr18-55329754-G-A.
Other names: c.2379C>T (NM_005603.4); c.2229C>T, p.Pro743= (NM_001374386.1); c.2379C>T, p.Pro793= (NM_005603.6).
Identifiers: ClinVar variation 2693770 (VCV002693770.4), dbSNP rs761941617, ClinGen allele CA8974274.